The following is an entry in ClinVar:

ClinVar aggregate classification (germline): Uncertain significance. Review status: criteria provided, multiple submitters, no conflicts (2 of 4 stars). 2 submissions from 2 submitters: Uncertain significance (2). Last evaluated 2023-12-04.

Conditions:
Inborn genetic diseases. Identifiers: MedGen C0950123, MeSH D030342.

Allele frequency attached by ClinVar (database versions not stated): gnomAD 0.00001.
gnomAD v4.1: 19 of 1,613,876 alleles (0.0012%); highest among the groups gnomAD compares: East Asian, 0.0067%; no homozygotes.

Submissions (2):

Ambry Genetics
Classification: Uncertain significance for Inborn genetic diseases. Last evaluated: 2023-12-04. Review status: criteria provided, single submitter. Criteria: Ambry Variant Classification Scheme 2023. Collection method: clinical testing. Allele origin: germline.

GeneDx
Classification: Uncertain significance. Last evaluated: 2020-10-23. Review status: criteria provided, single submitter. Criteria: GeneDx Variant Classification Process June 2021. Collection method: clinical testing. Allele origin: germline. Affected: yes.
Comment: Not observed at a significant frequency in large population cohorts (Lek et al., 2016); In silico analysis supports that this missense variant does not alter protein structure/function; Has not been previously published as pathogenic or benign to our knowledge

NM_001194998.2(CEP152):c.3848G>A (p.Arg1283His)

Gene: CEP152 (centrosomal protein 152; minus strand). Cytogenetic location: 15q21.1.
Variant type: single nucleotide variant.
Coding change: c.3848G>A on transcript NM_001194998.2 (MANE Select); coding-DNA position 3848, G replaced by A.
Protein change: p.Arg1283His; replaces arginine 1283 with histidine.
Molecular consequence: missense variant.
Genome position (GRCh38, 1-based): chr15:48,742,088, C>T on the plus strand (G>A on the coding strand, the complement: CEP152 is on the minus strand). VCF-style: chr15-48742088-C-T. GRCh37 (hg19) VCF-style: chr15-49034285-C-T.
Other names: c.3680G>A, p.Arg1227His (NM_014985.4); short protein forms R1227H, R1283H.
Identifiers: ClinVar variation 1313453 (VCV001313453.3), dbSNP rs755835212, ClinGen allele CA7548247.